The following is an entry in ClinVar:

NM_198291.3(SRC):c.553+9G>T

Gene: SRC (SRC proto-oncogene, non-receptor tyrosine kinase; plus strand). Cytogenetic location: 20q11.23.
Variant type: single nucleotide variant.
Coding change: c.553+9G>T on transcript NM_198291.3 (MANE Select); 9 bases into the intron after coding-DNA position 553, G replaced by T.
Molecular consequence: intron variant.
Genome position (GRCh38, 1-based): chr20:37,394,286, G>T. VCF-style: chr20-37394286-G-T. GRCh37 (hg19) VCF-style: chr20-36022689-G-T.
Other names: c.553+9G>T (NM_005417.5).
Identifiers: ClinVar variation 1337663 (VCV001337663.4), dbSNP rs376120012, ClinGen allele CA314464689.
Genomic context (GRCh38, chr20:37,394,286, plus strand): 5'-GCAGAGAACCCGAGAGGGACCTTCCTCGTGCGAGAAAGTGAGACCACGAAAGGTACGAGC[G>T]CTCTTGCTGGCCAACGGATACTGAGTCTTCTGTGAGTGGTTTGAGCTGGGTGTTGTGGAA-3'

ClinVar aggregate classification (germline): Uncertain significance (1 of 4 stars; one submission).

gnomAD v4.1: 4 of 1,611,098 alleles (0.00025%); highest among the groups gnomAD compares: African/African-American, 0.0053%; no homozygotes.

Submission:

Genetic Services Laboratory, University of Chicago
Classification: Uncertain significance. Last evaluated: 2020-06-10. Review status: criteria provided, single submitter. Criteria: ACMG Guidelines, 2015. Collection method: clinical testing. Allele origin: germline. Affected: no.
Comment: DNA sequence analysis of the SRC gene demonstrated a sequence change in intron 7, c.553+9G>T. This change does not appear to have been previously described in patients with SRC-related disorders and has been described in the gnomAD database in three individuals (dbSNP rs376120012). This sequence change affects a nucleotide that is not conserved and is not clearly predicted to have a deleterious effect on splicing based on in silico splice prediction programs. It is possible that this sequence change represents a benign sequence change in the SRC gene that has not been identified to date. The functional significance of this sequence change is not known at present and its contribution to this patient's disease phenotype cannot definitively be determined.